The following is an entry in ClinVar:

ClinVar aggregate classification (germline): Uncertain significance (1 of 4 stars; one submission).

Allele frequency attached by ClinVar (database versions not stated): TOPMed below 0.00001.

Submission:

Ambry Genetics
Classification: Uncertain significance. Last evaluated: 2022-07-24. Review status: criteria provided, single submitter. Criteria: Ambry Variant Classification Scheme 2023. Collection method: clinical testing. Allele origin: germline.
Comment: The p.W553G variant (also known as c.1657T>G), located in coding exon 11 of the RINT1 gene, results from a T to G substitution at nucleotide position 1657. The tryptophan at codon 553 is replaced by glycine, an amino acid with highly dissimilar properties. This amino acid position is conserved. In addition, this alteration is predicted to be deleterious by in silico analysis. Since supporting evidence is limited at this time, the clinical significance of this alteration remains unclear.

NM_021930.6(RINT1):c.1657T>G (p.Trp553Gly)

Gene: RINT1 (RAD50 interactor 1; plus strand). Cytogenetic location: 7q22.3.
Variant type: single nucleotide variant.
Coding change: c.1657T>G on transcript NM_021930.6 (MANE Select); coding-DNA position 1657, T replaced by G.
Protein change: p.Trp553Gly; replaces tryptophan 553 with glycine.
Molecular consequence: missense variant.
Genome position (GRCh38, 1-based): chr7:105,555,213, T>G. VCF-style: chr7-105555213-T-G. GRCh37 (hg19) VCF-style: chr7-105195660-T-G.
Other names: c.1423T>G, p.Trp475Gly (NM_001346599.2); c.634T>G, p.Trp212Gly (NM_001346600.2, NM_001346603.2); c.733T>G, p.Trp245Gly (NM_001346601.2); short protein forms W245G, W475G, W212G, W553G.
Identifiers: ClinVar variation 1777385 (VCV001777385.2), dbSNP rs1791130167, ClinGen allele CA368812002.
Genomic context (GRCh38, chr7:105,555,213, plus strand): 5'-GGCTTTCGATACTGTGCAATTCTTAATGCTGTGAACTACATCTCAACAGTACTAGCAGAT[T>G]GGGCTGACAATGTTGTGAGTTAATATGCTTTTATATTAAGTAATATATACTAGTTCGAAC-3'
Protein context (NP_068749.3, residues 543-563): VNYISTVLAD[Trp553Gly]ADNVFFLQLQ